The following is an entry in ClinVar:

ClinVar aggregate classification (germline): Benign. Review status: criteria provided, multiple submitters, no conflicts (2 of 4 stars). 2 submissions from 2 submitters: Benign (2). Last evaluated 2016-03-29.

Allele frequency attached by ClinVar (database versions not stated): ExAC 0.07595; gnomAD exomes 0.09663; 1000 Genomes Project 30x 0.12492; 1000 Genomes Project 0.12620.

Submissions (2):

Laboratory for Molecular Medicine, Mass General Brigham Personalized Medicine
Classification: Benign. Last evaluated: 2016-03-29. Review status: criteria provided, single submitter. Criteria: LMM Criteria. Collection method: clinical testing. Allele origin: germline.
Comment: Variant identified in a genome or exome case(s) and assessed due to predicted null impact of the variant or pathogenic assertions in the literature or databases. Disclaimer: This variant has not undergone full assessment. The following are preliminary notes: Frequency

Breakthrough Genomics
Classification: Benign. Review status: criteria provided, single submitter. Criteria: ACMG Guidelines, 2015. Collection method: not provided. Allele origin: germline. Inheritance: Unknown mechanism. Affected: yes.

NM_138420.4(AHNAK2):c.6509A>G (p.Lys2170Arg)

Gene: AHNAK2 (AHNAK nucleoprotein 2; minus strand). Cytogenetic location: 14q32.33.
Variant type: single nucleotide variant.
Coding change: c.6509A>G on transcript NM_138420.4 (MANE Select); coding-DNA position 6509, A replaced by G.
Protein change: p.Lys2170Arg; replaces lysine 2170 with arginine.
Molecular consequence: missense variant.
Genome position (GRCh38, 1-based): chr14:104,948,942, T>C on the plus strand (A>G on the coding strand, the complement: AHNAK2 is on the minus strand). VCF-style: chr14-104948942-T-C. GRCh37 (hg19) VCF-style: chr14-105415279-T-C.
Other names: c.6209A>G, p.Lys2070Arg (NM_001350929.2); short protein forms K2170R, K2070R.
Identifiers: ClinVar variation 402352 (VCV000402352.5), dbSNP rs201127689, ClinGen allele CA7381107.
Genomic context (GRCh38, chr14:104,948,942, plus strand): 5'-GGGAGACTCATGTCGGCCTCCACCTTGGGTGGAGACACATCCACCGAGGCCTCGATGGAC[T>C]TGCCTGGGGCAGACACCCCAAACGACGGCATCTTGAACTTGGGCATTTTGAACTTGCTGT-3'
Protein context (NP_612429.2, residues 2160-2180): MPSFGVSAPG[Lys2170Arg]SIEASVDVSP